The following is an entry in ClinVar:

NM_000088.4(COL1A1):c.2166C>T (p.Gly722=)

Gene: COL1A1 (collagen type I alpha 1 chain; minus strand). Cytogenetic location: 17q21.33.
Variant type: single nucleotide variant.
Coding change: c.2166C>T on transcript NM_000088.4 (MANE Select); coding-DNA position 2166, C replaced by T.
Protein change: p.Gly722=; no amino-acid change (glycine 722 retained).
Molecular consequence: synonymous variant.
Genome position (GRCh38, 1-based): chr17:50,191,452, G>A on the plus strand (C>T on the coding strand, the complement: COL1A1 is on the minus strand). VCF-style: chr17-50191452-G-A. GRCh37 (hg19) VCF-style: chr17-48268813-G-A.
Other names: p.Gly722=.
Identifiers: ClinVar variation 697683 (VCV000697683.56), dbSNP rs200188855, ClinGen allele CA8644914.
Genomic context (GRCh38, chr17:50,191,452, plus strand): 5'-CTTAGGCCCTGGAAGACCAGCTGCACCACGTTCACCAGGCATTCCCTGAAGGCCAGGGGC[G>A]CCCTGGCTACCGGGAGCTCCAGGGGCACCAGCATCACCCTATGTGACAACCAAGAAGACT-3'
Protein context (NP_000079.2, residues 712-732): AGAPGAPGSQ[Gly722=]APGLQGMPGE

ClinVar aggregate classification (germline): Benign/Likely benign. Review status: criteria provided, multiple submitters, no conflicts (2 of 4 stars). 8 submissions from 8 submitters: Benign (1); Likely benign (6). 1 of the submissions does not count toward it. Last evaluated 2026-03-16.

Conditions:
Cardiovascular phenotype. Identifiers: MedGen CN230736.
Osteogenesis imperfecta type I (OI1). Also called: Osteogenesis imperfecta type 1; Classic Non-deforming Osteogenesis Imperfecta with Blue Sclerae; Lobstein's Disease; Lobstein disease; OI, TYPE I; OSTEOGENESIS IMPERFECTA TARDA. Identifiers: Orphanet 216796, Orphanet 666, MedGen C0023931, MONDO:0008146, OMIM 166200. Disease mechanism: loss of function.
Osteoporosis. Identifiers: MedGen C0029456, MONDO:0005298, OMIM 166710, HP:0000939.
Osteogenesis imperfecta, perinatal lethal (OI2). Also called: VROLIK TYPE OF OSTEOGENESIS IMPERFECTA; Osteogenesis imperfecta, dominant perinatal lethal; OSTEOGENESIS IMPERFECTA, TYPE II; OI, TYPE II; OSTEOGENESIS IMPERFECTA CONGENITA; Osteogenesis imperfecta type 2. Identifiers: Orphanet 216804, MedGen C0268358, MONDO:0008147, OMIM 166210.
Osteogenesis imperfecta type III (OI3). Also called: Progressively Deforming Osteogenesis Imperfecta; Osteogenesis imperfecta type 3; OI type 3; Osteogenesis imperfecta, progressively deforming with normal sclerae; OI type III. Identifiers: Orphanet 216812, Orphanet 666, MedGen C0268362, MONDO:0009804, OMIM 259420.
Infantile cortical hyperostosis. Also called: Caffey Disease; P1PK BLOOD GROUP SYSTEM, P(2) PHENOTYPE; Hyperostosis, Cortical, Congenital. Identifiers: Orphanet 1310, MedGen C0020497, MONDO:0007244, OMIM 114000.
Ehlers-Danlos syndrome, arthrochalasia type. Also called: Ehlers-Danlos syndrome, arthrochalasia type, 1; Ehlers-Danlos syndrome, arthrochalasis type; ARTHROCHALASIS MULTIPLEX CONGENITA; EDS VII, MUTANT PROCOLLAGEN TYPE; EDS VIIA. Identifiers: Orphanet 1899, Orphanet 99875, Orphanet 99876, MedGen C4551623, MONDO:0007525, OMIM 130060.
Osteogenesis imperfecta with normal sclerae, dominant form (OI4). Also called: OSTEOGENESIS IMPERFECTA, TYPE IV, WITH DENTINOGENESIS IMPERFECTA; Osteogenesis imperfecta type 4; Osteogenesis Imperfecta Type IV; Common Variable Osteogenesis Imperfecta with Normal Sclerae; OSTEOGENESIS IMPERFECTA WITH NORMAL SCLERAE. Identifiers: Orphanet 216820, Orphanet 666, MedGen C0268363, MONDO:0008148, OMIM 166220.
Combined osteogenesis imperfecta and Ehlers-Danlos syndrome 1. Also called: OIEDS SYNDROME 1. Identifiers: MedGen C5436842, MONDO:0030854, OMIM 619115.
COL1A1-related disorder. Also called: COL1A1- related disease; COL1A1-related condition.

Allele frequency attached by ClinVar (database versions not stated): gnomAD 0.00006 and 0.00007; ExAC 0.00007; gnomAD exomes 0.00007 and 0.00010; ESP Exome Variant Server 0.00008; TOPMed 0.00009.
gnomAD v4.1: 119 of 1,613,856 alleles (0.0074%); highest among the groups gnomAD compares: Admixed American, 0.015%; no homozygotes.

Submissions (8):

Women's Health and Genetics/Laboratory Corporation of America, LabCorp
Classification: Benign. Last evaluated: 2026-03-16. Review status: criteria provided, single submitter. Criteria: LabCorp Variant Classification Summary - May 2015. Collection method: clinical testing. Allele origin: germline.

Labcorp Genetics (formerly Invitae), Labcorp
Classification: Likely benign for Osteogenesis imperfecta type I. Last evaluated: 2026-01-12. Review status: criteria provided, single submitter. Criteria: Invitae Variant Classification Sherloc (09022015). Collection method: clinical testing. Allele origin: germline.

Mayo Clinic Laboratories, Mayo Clinic
Classification: Likely benign. Last evaluated: 2025-05-14. Review status: criteria provided, single submitter. Criteria: ACMG Guidelines, 2015. Collection method: clinical testing. Allele origin: germline. Observed: 2 variant alleles.
Comment: BP4, BP7

Fulgent Genetics
Classification: Likely benign for Infantile cortical hyperostosis; Ehlers-Danlos syndrome, arthrochalasia type; Osteogenesis imperfecta type I; Osteogenesis imperfecta, perinatal lethal; Osteogenesis imperfecta with normal sclerae, dominant form; Osteoporosis; Osteogenesis imperfecta type III; Combined osteogenesis imperfecta and Ehlers-Danlos syndrome 1. Last evaluated: 2022-01-14. Review status: criteria provided, single submitter. Criteria: ACMG Guidelines, 2015. Collection method: clinical testing. Allele origin: unknown.

CeGaT Center for Human Genetics Tuebingen
Classification: Likely benign. Last evaluated: 2021-01-01. Review status: criteria provided, single submitter. Criteria: CeGaT Center For Human Genetics Tuebingen Variant Classification Criteria Version 2. Collection method: clinical testing. Allele origin: germline. Affected: yes. Observed: 1 variant allele.

GeneDx
Classification: Likely benign. Last evaluated: 2020-07-14. Review status: criteria provided, single submitter. Criteria: GeneDx Variant Classification Process June 2021. Collection method: clinical testing. Allele origin: germline. Affected: yes.

Ambry Genetics
Classification: Likely benign for Cardiovascular phenotype. Last evaluated: 2019-09-02. Review status: criteria provided, single submitter. Criteria: Ambry Variant Classification Scheme 2023. Collection method: clinical testing. Allele origin: germline.

PreventionGenetics, part of Exact Sciences
Classification: Likely benign for COL1A1-related condition. Last evaluated: 2022-09-20. Review status: no assertion criteria provided. Collection method: clinical testing. Allele origin: germline. Not counted in ClinVar's aggregate classification.
Comment: This variant is classified as likely benign based on ACMG/AMP sequence variant interpretation guidelines (Richards et al. 2015 PMID: 25741868, with internal and published modifications).